The following is an entry in ClinVar:

ClinVar aggregate classification (germline): Uncertain significance. Review status: criteria provided, multiple submitters, no conflicts (2 of 4 stars). 2 submissions from 2 submitters: Uncertain significance (2). Last evaluated 2022-04-22.

Conditions:
Hereditary cancer-predisposing syndrome. Also called: Neoplastic Syndromes, Hereditary; Tumor predisposition; Hereditary Cancer Syndrome; Hereditary neoplastic syndrome. Identifiers: Orphanet 140162, MedGen C0027672, MeSH D009386, MONDO:0015356.
Pheochromocytoma. Also called: MAX-Related Hereditary Paraganglioma-Pheochromocytoma Syndrome. Identifiers: Orphanet 29072, MedGen C0031511, MONDO:0008233, OMIM 171300, HP:0002666.
Pheochromocytoma/paraganglioma syndrome 4. Also called: CAROTID BODY TUMORS AND MULTIPLE EXTRAADRENAL PHEOCHROMOCYTOMAS; PARAGANGLIOMA, FAMILIAL MALIGNANT; PARAGANGLIOMAS, HEREDITARY EXTRAADRENAL; PHEOCHROMOCYTOMA, FAMILIAL EXTRAADRENAL; Paragangliomas 4; SDHB-Related Hereditary Paraganglioma-Pheochromocytoma Syndrome (Paragangliomas 4). Identifiers: Orphanet 29072, MedGen C1861848, MONDO:0007273, OMIM 115310.
Gastrointestinal stromal tumor. Also called: Gastrointestinal stromal tumor, somatic; Gastrointestinal stroma tumor. Identifiers: Orphanet 44890, MedGen C0238198, MeSH D046152, MONDO:0011719, OMIM 606764, HP:0100723.

Allele frequency attached by ClinVar (database versions not stated): ExAC 0.00001; gnomAD 0.00001.
gnomAD v4.1: 1 of 1,613,858 alleles (0.000062%); highest among the groups gnomAD compares: Non-Finnish European, 0.000085%; no homozygotes.

Submissions (2):

Ambry Genetics
Classification: Uncertain significance for Hereditary cancer-predisposing syndrome. Last evaluated: 2022-04-22. Review status: criteria provided, single submitter. Criteria: Ambry Variant Classification Scheme 2023. Collection method: clinical testing. Allele origin: germline.
Comment: The p.T252I variant (also known as c.755C>T), located in coding exon 7 of the SDHB gene, results from a C to T substitution at nucleotide position 755. The threonine at codon 252 is replaced by isoleucine, an amino acid with similar properties. This amino acid position is conserved. In addition, this alteration is predicted to be deleterious by in silico analysis. Since supporting evidence is limited at this time, the clinical significance of this alteration remains unclear.

Labcorp Genetics (formerly Invitae), Labcorp
Classification: Uncertain significance for Gastrointestinal stromal tumor; Pheochromocytoma/paraganglioma syndrome 4; Pheochromocytoma. Last evaluated: 2022-01-11. Review status: criteria provided, single submitter. Criteria: Invitae Variant Classification Sherloc (09022015). Collection method: clinical testing. Allele origin: germline.
Comment: Advanced modeling of protein sequence and biophysical properties (such as structural, functional, and spatial information, amino acid conservation, physicochemical variation, residue mobility, and thermodynamic stability) performed at Invitae indicates that this missense variant is expected to disrupt SDHB protein function. This variant has not been reported in the literature in individuals affected with SDHB-related conditions. This variant is present in population databases (rs769359897, gnomAD 0.0009%). This sequence change replaces threonine, which is neutral and polar, with isoleucine, which is neutral and non-polar, at codon 252 of the SDHB protein (p.Thr252Ile). In summary, the available evidence is currently insufficient to determine the role of this variant in disease. Therefore, it has been classified as a Variant of Uncertain Significance.

NM_003000.3(SDHB):c.755C>T (p.Thr252Ile)

Gene: SDHB (succinate dehydrogenase complex iron sulfur subunit B; minus strand). Cytogenetic location: 1p36.13.
Variant type: single nucleotide variant.
Coding change: c.755C>T on transcript NM_003000.3 (MANE Select); coding-DNA position 755, C replaced by T.
Protein change: p.Thr252Ile; replaces threonine 252 with isoleucine.
Molecular consequence: missense variant.
Genome position (GRCh38, 1-based): chr1:17,022,618, G>A on the plus strand (C>T on the coding strand, the complement: SDHB is on the minus strand). VCF-style: chr1-17022618-G-A. GRCh37 (hg19) VCF-style: chr1-17349113-G-A.
Other names: c.701C>T, p.Thr234Ile (NM_001407361.1); short protein forms T252I, T234I.
Identifiers: ClinVar variation 1759509 (VCV001759509.7), dbSNP rs769359897, ClinGen allele CA089745.
Genomic context (GRCh38, chr1:17,022,618, plus strand): 5'-TCTGGCGTGTCAGCTCTGAGGCAGAGCTGAGGGTCACCAGCCCCACGTACCTTAGGACAG[G>A]TCCTTGTGCAGTTCATGATGGTGTGGCAGCGGTATAGAGAGAATGGGTCCTGCAGCTTGG-3'
Protein context (NP_002991.2, residues 242-262): RCHTIMNCTR[Thr252Ile]CPKGLNPGKA